The following is an entry in ClinVar:

ClinVar aggregate classification (germline): Conflicting classifications of pathogenicity. Review status: criteria provided, conflicting classifications (1 of 4 stars). 2 submissions from 2 submitters: Uncertain significance (1); Likely benign (1). Last evaluated 2026-01-27.

Allele frequency attached by ClinVar (database versions not stated): gnomAD 0.00001 and 0.00002; gnomAD exomes 0.00001 and 0.00002; ExAC 0.00002; TOPMed 0.00003; ESP Exome Variant Server 0.00016.

Submissions (2):

Labcorp Genetics (formerly Invitae), Labcorp
Classification: Uncertain significance. Last evaluated: 2026-01-27. Review status: criteria provided, single submitter. Criteria: Invitae Variant Classification Sherloc (09022015). Collection method: clinical testing. Allele origin: germline.
Comment: This sequence change falls in intron 40 of the COL4A1 gene. It does not directly change the encoded amino acid sequence of the COL4A1 protein. It affects a nucleotide within the consensus splice site. This variant is present in population databases (rs749942977, gnomAD 0.004%). This variant has not been reported in the literature in individuals affected with COL4A1-related conditions. ClinVar contains an entry for this variant (Variation ID: 1408591). Variants that disrupt the consensus splice site are a relatively common cause of aberrant splicing (PMID: 17576681, 9536098). Algorithms developed to predict the effect of sequence changes on RNA splicing suggest that this variant is not likely to affect RNA splicing. In summary, the available evidence is currently insufficient to determine the role of this variant in disease. Therefore, it has been classified as a Variant of Uncertain Significance.

GeneDx
Classification: Likely benign. Last evaluated: 2023-11-15. Review status: criteria provided, single submitter. Criteria: GeneDx Variant Classification Process June 2021. Collection method: clinical testing. Allele origin: germline. Affected: yes.
Comment: See Variant Classification Assertion Criteria.

Literature cited by the submitters: PubMed 17576681 (cited by Labcorp Genetics (formerly Invitae), Labcorp); PubMed 9536098 (cited by Labcorp Genetics (formerly Invitae), Labcorp).

NM_001845.6(COL4A1):c.3505+4del

Gene: COL4A1 (collagen type IV alpha 1 chain; minus strand). Cytogenetic location: 13q34.
Variant type: Deletion.
Coding change: c.3505+4del on transcript NM_001845.6 (MANE Select); 4 bases into the intron after coding-DNA position 3505, one base deleted (T; older notation c.3505+4delT).
Molecular consequence: intron variant.
Genome position (GRCh38, 1-based): chr13:110,173,896, A deleted on the plus strand (T on the coding strand, the reverse complement: COL4A1 is on the minus strand). VCF-style (leftmost placement, unchanged base first): chr13-110173895-CA-C. GRCh37 (hg19) VCF-style: chr13-110826242-CA-C.
Identifiers: ClinVar variation 1408591 (VCV001408591.8), dbSNP rs749942977, ClinGen allele CA7047251.